The following is an entry in ClinVar:

NM_001130144.3(LTBP3):c.3189_3194del (p.Pro1064_Pro1065del)

Genes: LTBP3 (latent transforming growth factor beta binding protein 3; minus strand), LOC121832793 (Sharpr-MPRA regulatory region 4001; plus strand). Cytogenetic location: 11q13.1.
Variant type: Deletion.
Coding change: c.3189_3194del on transcript NM_001130144.3 (MANE Select); coding-DNA positions 3189 to 3194, 6 bases deleted (GCCCCC; older notation c.3189_3194delGCCCCC).
Protein change: p.Pro1064_Pro1065del.
Genome position (GRCh38, 1-based): chr11:65,540,295-65,540,300, GGGGGC deleted on the plus strand (GCCCCC on the coding strand, the reverse complement: LTBP3 is on the minus strand); deleting any 6 consecutive bases within chr11:65,540,295-65,540,301 gives the same sequence; the c. name uses the placement nearest the transcript's 3' end. VCF-style (leftmost placement, unchanged base first): chr11-65540294-AGGGGGC-A. GRCh37 (hg19) VCF-style: chr11-65307765-AGGGGGC-A.
Other names: c.2838_2843del, p.Pro947_Pro948del (NM_001164266.1); c.3189_3194del, p.Pro1064_Pro1065del (NM_021070.4).
Identifiers: ClinVar variation 3671219 (VCV003671219.2).
Genomic context (GRCh38, chr11:65,540,294, plus strand): 5'-CCGGGCCTCACCCATCTCTTCCGGGCTCAGGCACTGGCGCTGCGCGGGACTGTACTCGGC[AGGGGGC>A]GTGCAGGCACAGCGGTAGCCGCCGCGCGTGTTCTCACACACTCCGTTCCGGCAGTTGGAC-3'

ClinVar aggregate classification (germline): Uncertain significance (1 of 4 stars; one submission).

Conditions:
Brachyolmia-amelogenesis imperfecta syndrome. Also called: PLATYSPONDYLY WITH AMELOGENESIS IMPERFECTA; Tooth agenesis, selective, 6; Dental anomalies and short stature. Identifiers: Orphanet 2899, MedGen C1832594, MONDO:0011018, OMIM 601216. Disease mechanism: loss of function.

Submission:

Labcorp Genetics (formerly Invitae), Labcorp
Classification: Uncertain significance for Brachyolmia-amelogenesis imperfecta syndrome. Last evaluated: 2024-05-22. Review status: criteria provided, single submitter. Criteria: Invitae Variant Classification Sherloc (09022015). Collection method: clinical testing. Allele origin: germline.
Comment: This variant, c.3189_3194del, results in the deletion of 2 amino acid(s) of the LTBP3 protein (p.Pro1064_Pro1065del), but otherwise preserves the integrity of the reading frame. This variant is not present in population databases (gnomAD no frequency). This variant has not been reported in the literature in individuals affected with LTBP3-related conditions. Experimental studies and prediction algorithms are not available or were not evaluated, and the functional significance of this variant is currently unknown. In summary, the available evidence is currently insufficient to determine the role of this variant in disease. Therefore, it has been classified as a Variant of Uncertain Significance.